The following is an entry in ClinVar:

ClinVar aggregate classification (germline): Pathogenic (1 of 4 stars; one submission).

Conditions:
Spondyloepiphyseal dysplasia with congenital joint dislocations (SEDCJD). Also called: Chondrodysplasia with Congenital Joint Dislocations, CHST3-Related. Identifiers: Orphanet 263463, MedGen C1837657, MONDO:0007738, OMIM 143095.

gnomAD v4.1: 2 of 1,602,194 alleles (0.00012%); highest among the groups gnomAD compares: Admixed American, 0.0017%; no homozygotes.

Submission:

Labcorp Genetics (formerly Invitae), Labcorp
Classification: Pathogenic for Spondyloepiphyseal dysplasia with congenital joint dislocations. Last evaluated: 2024-09-16. Review status: criteria provided, single submitter. Criteria: Invitae Variant Classification Sherloc (09022015). Collection method: clinical testing. Allele origin: germline.
Comment: This sequence change creates a premature translational stop signal (p.Lys240*) in the CHST3 gene. While this is not anticipated to result in nonsense mediated decay, it is expected to disrupt the last 240 amino acid(s) of the CHST3 protein. This variant is not present in population databases (gnomAD no frequency). This premature translational stop signal has been observed in individual(s) with clinical features of spondyloepiphyseal dysplasia (PMID: 20830804). This variant disrupts a region of the CHST3 protein in which other variant(s) (p.Glu268*) have been determined to be pathogenic (PMID: 26572954). This suggests that this is a clinically significant region of the protein, and that variants that disrupt it are likely to be disease-causing. For these reasons, this variant has been classified as Pathogenic.

Literature cited by the submitters: PubMed 20830804; PubMed 26572954.

NM_004273.5(CHST3):c.718A>T (p.Lys240Ter)

Gene: CHST3 (carbohydrate sulfotransferase 3; plus strand). Cytogenetic location: 10q22.1.
Variant type: single nucleotide variant.
Coding change: c.718A>T on transcript NM_004273.5 (MANE Select); coding-DNA position 718, A replaced by T.
Protein change: p.Lys240Ter; replaces lysine 240 with a stop codon.
Molecular consequence: nonsense.
Genome position (GRCh38, 1-based): chr10:72,007,749, A>T. VCF-style: chr10-72007749-A-T. GRCh37 (hg19) VCF-style: chr10-73767507-A-T.
Other names: short protein forms K240*.
Identifiers: ClinVar variation 3720938 (VCV003720938.2).